The following is an entry in ClinVar:

NM_000096.4(CP):c.2554+1G>T

Gene: CP (ceruloplasmin; minus strand). Cytogenetic location: 3q24.
Variant type: single nucleotide variant.
Coding change: c.2554+1G>T on transcript NM_000096.4 (MANE Select); the canonical splice donor site of the intron after coding-DNA position 2554, G replaced by T.
Molecular consequence: splice donor variant.
Genome position (GRCh38, 1-based): chr3:149,182,004, C>A on the plus strand (G>T on the coding strand, the complement: CP is on the minus strand). VCF-style: chr3-149182004-C-A. GRCh37 (hg19) VCF-style: chr3-148899791-C-A.
Other names: c.2554+1G>T.
Identifiers: ClinVar variation 42152 (VCV000042152.3), dbSNP rs386134140, ClinGen allele CA344613.
Genomic context (GRCh38, chr3:149,182,004, plus strand): 5'-CTGTGGAAAGGCTGTACAGCCTGTTAAAATGCACCACCCCCACCCCCGCCCCCGTGAGTA[C>A]CTGGTAATGTTGGAGTAACTGTAGAACTCTCTGTTTGTACCCCATGGGCATGTATTGAGT-3'

ClinVar aggregate classification (germline): Pathogenic (0 of 4 stars; one submission).

Conditions:
Deficiency of ferroxidase (ACEP). Also called: Deficiency of ceruloplasmin; Aceruloplasminemia; Ceruloplasmin deficiency; Familial apoceruloplasmin deficiency; Hereditary ceruloplasmin deficiency; NEURODEGENERATION WITH BRAIN IRON ACCUMULATION 10. Identifiers: Orphanet 48818, MedGen C0878682, MONDO:0011426, OMIM 604290, HP:0025498.

Submission:

GeneReviews
Classification: Pathogenic for Aceruloplasminemia. Last evaluated: 2013-04-18. Review status: no assertion criteria provided. Collection method: curation. Allele origin: unknown.
ClinVar note: Converted during submission from pathologic to Pathogenic.